The following is an entry in ClinVar:

ClinVar aggregate classification (germline): Uncertain significance (1 of 4 stars; one submission).

Conditions:
Charcot-Marie-Tooth disease type 1C. Also called: CMT, SLOW NERVE CONDUCTION TYPE C; CHARCOT-MARIE-TOOTH NEUROPATHY, TYPE 1C; NEUROPATHY, HEREDITARY MOTOR AND SENSORY, TYPE IC; CHARCOT-MARIE-TOOTH DISEASE, DEMYELINATING, TYPE 1C; Charcot-Marie-Tooth disease, type IC; HMSN IC. Identifiers: Orphanet 101083, MedGen C0270913, MONDO:0010995, OMIM 601098.

Allele frequency attached by ClinVar (database versions not stated): TOPMed 0.00001.

Submission:

Labcorp Genetics (formerly Invitae), Labcorp
Classification: Uncertain significance for Charcot-Marie-Tooth disease type 1C. Last evaluated: 2022-05-16. Review status: criteria provided, single submitter. Criteria: Invitae Variant Classification Sherloc (09022015). Collection method: clinical testing. Allele origin: germline.
Comment: This sequence change replaces proline, which is neutral and non-polar, with arginine, which is basic and polar, at codon 59 of the LITAF protein (p.Pro59Arg). This variant is present in population databases (no rsID available, gnomAD 0.007%). This variant has not been reported in the literature in individuals affected with LITAF-related conditions. Algorithms developed to predict the effect of missense changes on protein structure and function are either unavailable or do not agree on the potential impact of this missense change (SIFT: "Deleterious"; PolyPhen-2: "Possibly Damaging"; Align-GVGD: "Class C0"). In summary, the available evidence is currently insufficient to determine the role of this variant in disease. Therefore, it has been classified as a Variant of Uncertain Significance.

NM_001136472.2(LITAF):c.176C>G (p.Pro59Arg)

Gene: LITAF (lipopolysaccharide induced TNF factor; minus strand). Cytogenetic location: 16p13.13.
Variant type: single nucleotide variant.
Coding change: c.176C>G on transcript NM_001136472.2 (MANE Select); coding-DNA position 176, C replaced by G.
Protein change: p.Pro59Arg; replaces proline 59 with arginine.
Molecular consequence: missense variant. On other transcripts: non-coding transcript variant (1).
Genome position (GRCh38, 1-based): chr16:11,556,555, G>C on the plus strand (C>G on the coding strand, the complement: LITAF is on the minus strand). VCF-style: chr16-11556555-G-C. GRCh37 (hg19) VCF-style: chr16-11650411-G-C.
Other names: c.176C>G, p.Pro59Arg (NM_001136473.1, NM_004862.4); short protein forms P59R.
Identifiers: ClinVar variation 2194830 (VCV002194830.4), dbSNP rs1400475259, ClinGen allele CA394767990.